The following is an entry in ClinVar:

ClinVar aggregate classification (germline): Uncertain significance (1 of 4 stars; one submission).

Submission:

MVZ Dr. Eberhard & Partner Dortmund
Classification: Uncertain significance. Last evaluated: 2019-01-31. Review status: criteria provided, single submitter. Criteria: ACMG Guidelines, 2015. Collection method: clinical testing. Allele origin: unknown. Observed: 1 heterozygote.
Comment: The variant is absent from controls like ESP, 1000 genomes or gnomAD.

NM_000517.4:c.-217C>T

Gene: HBA2 (hemoglobin subunit alpha 2; plus strand). Cytogenetic location: 16p13.3.
Variant type: single nucleotide variant.
Identifiers: ClinVar variation 827670 (VCV000827670.2).